The following is an entry in ClinVar:

NM_002473.6(MYH9):c.2773GAG[4] (p.Glu929del)

Genes: MYH9 (myosin heavy chain 9; minus strand), LOC126863137 (CDK7 strongly-dependent group 2 enhancer GRCh37_chr22:36696002-36697201; plus strand). Cytogenetic location: 22q12.3.
Variant type: Microsatellite.
Coding change: c.2773GAG[4] on transcript NM_002473.6 (MANE Select); four copies in a row of the 3-base unit GAG starting at c.2773; the reference has five copies in a row; one copy, 3 bases deleted.
Protein change: p.Glu929del; deletes glutamic acid 929.
Molecular consequence: inframe deletion. On other transcripts: inframe indel (2).
Genome position (GRCh38, 1-based): chr22:36,300,902-36,300,904, CTC deleted on the plus strand (GAG on the coding strand, the reverse complement: MYH9 is on the minus strand); deleting any 3 consecutive bases within chr22:36,300,902-36,300,917 gives the same sequence; the position shown is the placement nearest the transcript's 3' end. VCF-style (leftmost placement, unchanged base first): chr22-36300901-GCTC-G. GRCh37 (hg19) VCF-style: chr22-36696947-GCTC-G.
Other names: c.2772_2774GGA[4], p.Glu929del (NM_002473.5); c.2785_2787delGAG (NM_002473.5); short protein forms E929del.
Identifiers: ClinVar variation 3351939 (VCV003351939.1).

ClinVar aggregate classification (germline): Likely benign (0 of 4 stars; one submission).

Conditions:
MYH9-related disorder. Identifiers: MedGen C1854520.

Submission:

PreventionGenetics, part of Exact Sciences
Classification: Likely benign for MYH9-related condition. Last evaluated: 2024-07-12. Review status: no assertion criteria provided. Collection method: clinical testing. Allele origin: germline.
Comment: This variant is classified as likely benign based on ACMG/AMP sequence variant interpretation guidelines (Richards et al. 2015 PMID: 25741868, with internal and published modifications).